The following is an entry in ClinVar:

ClinVar aggregate classification (germline): Uncertain significance (1 of 4 stars; one submission).

Submission:

Labcorp Genetics (formerly Invitae), Labcorp
Classification: Uncertain significance. Last evaluated: 2022-03-26. Review status: criteria provided, single submitter. Criteria: Invitae Variant Classification Sherloc (09022015). Collection method: clinical testing. Allele origin: germline.
Comment: Algorithms developed to predict the effect of missense changes on protein structure and function output the following: SIFT: "Tolerated"; PolyPhen-2: "Benign"; Align-GVGD: "Class C0". The valine amino acid residue is found in multiple mammalian species, which suggests that this missense change does not adversely affect protein function. This variant has not been reported in the literature in individuals affected with REN-related conditions. This variant is not present in population databases (gnomAD no frequency). This sequence change replaces glycine, which is neutral and non-polar, with valine, which is neutral and non-polar, at codon 3 of the REN protein (p.Gly3Val). In summary, the available evidence is currently insufficient to determine the role of this variant in disease. Therefore, it has been classified as a Variant of Uncertain Significance.

NM_000537.4(REN):c.8G>T (p.Gly3Val)

Genes: REN (renin; minus strand), LOC107548112 (REN promoter and enhancer region; plus strand). Cytogenetic location: 1q32.1.
Variant type: single nucleotide variant.
Coding change: c.8G>T on transcript NM_000537.4 (MANE Select); coding-DNA position 8, G replaced by T.
Protein change: p.Gly3Val; replaces glycine 3 with valine.
Molecular consequence: missense variant.
Genome position (GRCh38, 1-based): chr1:204,166,286, C>A on the plus strand (G>T on the coding strand, the complement: REN is on the minus strand). VCF-style: chr1-204166286-C-A. GRCh37 (hg19) VCF-style: chr1-204135414-C-A.
Other names: short protein forms G3V.
Identifiers: ClinVar variation 2108031 (VCV002108031.4), dbSNP rs769289753, ClinGen allele CA344343112.